The following is an entry in ClinVar:

NM_004656.4(BAP1):c.932-20G>A

Gene: BAP1 (BRCA1 associated deubiquitinase 1; minus strand). Cytogenetic location: 3p21.1.
Variant type: single nucleotide variant.
Coding change: c.932-20G>A on transcript NM_004656.4 (MANE Select); 20 bases into the intron before coding-DNA position 932, G replaced by A.
Molecular consequence: intron variant.
Genome position (GRCh38, 1-based): chr3:52,405,314, C>T on the plus strand (G>A on the coding strand, the complement: BAP1 is on the minus strand). VCF-style: chr3-52405314-C-T. GRCh37 (hg19) VCF-style: chr3-52439330-C-T.
Identifiers: ClinVar variation 627800 (VCV000627800.11), dbSNP rs368720650, ClinGen allele CA543057012.

ClinVar aggregate classification (germline): Benign/Likely benign. Review status: criteria provided, multiple submitters, no conflicts (2 of 4 stars). 3 submissions from 3 submitters: Benign (1); Likely benign (2). Last evaluated 2025-11-24.

Conditions:
BAP1-related tumor predisposition syndrome (TPDS1). Also called: Tumor susceptibility linked to germline BAP1 mutations; TUMOR PREDISPOSITION SYNDROME 1; COMMON Syndrome; BAP1 tumor predisposition syndrome. Identifiers: Orphanet 289539, MedGen C3280492, MONDO:0013692, OMIM 614327.
Hereditary cancer-predisposing syndrome. Also called: Tumor predisposition; Hereditary Cancer Syndrome; Neoplastic Syndromes, Hereditary; Hereditary neoplastic syndrome. Identifiers: Orphanet 140162, MedGen C0027672, MeSH D009386, MONDO:0015356.

Allele frequency attached by ClinVar (database versions not stated): TOPMed 0.00001.
gnomAD v4.1: 20 of 1,612,742 alleles (0.0012%); highest among the groups gnomAD compares: Non-Finnish European, 0.0017%; no homozygotes.

Submissions (3):

Labcorp Genetics (formerly Invitae), Labcorp
Classification: Likely benign for BAP1-related tumor predisposition syndrome. Last evaluated: 2025-11-24. Review status: criteria provided, single submitter. Criteria: Invitae Variant Classification Sherloc (09022015). Collection method: clinical testing. Allele origin: germline.

Myriad Genetics, Inc.
Classification: Benign for BAP1-related tumor predisposition syndrome. Last evaluated: 2024-07-15. Review status: criteria provided, single submitter. Criteria: Myriad Autosomal Dominant, Autosomal Recessive and X-Linked Classification Criteria (2023). Collection method: clinical testing. Allele origin: unknown.
Comment: This variant is considered benign. This variant is intronic and is not expected to impact mRNA splicing. This variant has been observed at a population frequency that is significantly greater than expected given the associated disease prevalence and penetrance.

Color Diagnostics, LLC DBA Color Health
Classification: Likely benign for Hereditary cancer-predisposing syndrome. Last evaluated: 2017-09-24. Review status: criteria provided, single submitter. Criteria: ACMG Guidelines, 2015. Collection method: clinical testing. Allele origin: germline.